The following is an entry in ClinVar:

ClinVar aggregate classification (germline): Pathogenic. Review status: criteria provided, multiple submitters, no conflicts (2 of 4 stars). 6 submissions from 6 submitters: Pathogenic (4). 2 of the submissions do not count toward it. Last evaluated 2026-01-05.

Conditions:
CHD7-related CHARGE syndrome. Identifiers: MedGen CN380413, MONDO:1010178, OMIM 214800.
CHARGE syndrome (CHARGE). Also called: Hittner Hirsch Kreh syndrome; CHARGE ASSOCIATION--COLOBOMA, HEART ANOMALY, CHOANAL ATRESIA, RETARDATION, GENITAL AND EAR ANOMALIES; Coloboma, heart anomaly, choanal atresia, retardation, genital and ear anomalies; CHARGE association; Hall-Hittner syndrome. Identifiers: Orphanet 138, MedGen C0265354, MONDO:0008965.

Submissions (6):

Variantyx, Inc.
Classification: Pathogenic for CHD7-related CHARGE syndrome. Last evaluated: 2026-01-05. Review status: criteria provided, single submitter. Criteria: Variantyx Assertion Criteria 2022. Collection method: clinical testing. Allele origin: germline. Inheritance: Autosomal recessive inheritance. Affected: yes.
Comment: This is a nonsense variant in the CHD7 gene (OMIM: 608892). Pathogenic variants in this gene have been associated with autosomal dominant CHARGE syndrome. This variant introduces a premature termination codon in exon 12 out of 38 and is expected to result in loss of function, which is a known disease mechanism for CHD7 in this disorder (PMID: 22461308, 25077900) (PVS1). This variant has been reported in several unrelated affected individuals (PMID: 16155193, 21158681) (PS4) and is absent from control populations (PM2). Based on the current evidence, this variant is classified as pathogenic for autosomal dominant CHARGE syndrome.

GeneDx
Classification: Pathogenic. Last evaluated: 2022-02-08. Review status: criteria provided, single submitter. Criteria: GeneDx Variant Classification Process June 2021. Collection method: clinical testing. Allele origin: germline. Affected: yes.
Comment: Nonsense variant predicted to result in protein truncation or nonsense mediated decay in a gene for which loss-of-function is a known mechanism of disease; Not observed in large population cohorts (gnomAD); This variant is associated with the following publications: (PMID: 16155193, 29300383, 33502061, 22462537, 21158681, 25525159, 16615981, 30498854, 23024289, 30049826, 34134972)

Centre for Translational Omics - GOSgene, University College London
Classification: Pathogenic for CHD7-related CHARGE syndrome. Last evaluated: 2018-03-16. Review status: criteria provided, single submitter. Criteria: ACMG Guidelines, 2015. Collection method: clinical testing. Allele origin: de novo. Affected: yes.

Kasturba Medical College, Manipal, Kasturba Medical College, Manipal, Manipal Academy of Higher Education, Manipal, India
Classification: Pathogenic for CHD7-related CHARGE syndrome. Review status: criteria provided, single submitter. Criteria: ACMG Guidelines, 2015. Collection method: clinical testing. Allele origin: de novo. Inheritance: Autosomal dominant inheritance. Affected: yes. Observed: 1 heterozygote.
Comment: In-silico prediction tools (MutationTaster and CADD phred) are consistent in predicting the variant to be damaging to CHD7 protein function. This variant is predicted to cause premature termination of the transcript, which will either lead to the nonsense-mediated mRNA decay or formation of a truncated protein product. This variant has also been reported in individuals affected with CHARGE syndrome (ClinVar ID-488373; Moccia et al., 2018).

Sbielas Lab-Department of Human Genetics University of Michigan, University of Michigan Medical School
Classification: Pathogenic for CHD7-related CHARGE syndrome. Last evaluated: 2017-10-27. Review status: no assertion criteria provided. Collection method: research. Allele origin: de novo. Affected: yes. Not counted in ClinVar's aggregate classification.

University of Washington Center for Mendelian Genomics, University of Washington
Classification: Likely pathogenic for CHARGE syndrome. Review status: no assertion criteria provided. Collection method: research. Allele origin: de novo. Affected: yes. Not counted in ClinVar's aggregate classification.

Literature cited by the submitters: PubMed 22461308 (cited by Variantyx, Inc.); PubMed 25077900 (cited by Variantyx, Inc.); PubMed 29300383 (cited by 3 submitters); PubMed 30049826 (cited by Variantyx, Inc.); PubMed 16155193 (cited by Variantyx, Inc.); PubMed 21158681 (cited by Variantyx, Inc.).

NM_017780.4(CHD7):c.3106C>T (p.Arg1036Ter)

Gene: CHD7 (chromodomain helicase DNA binding protein 7; plus strand). Cytogenetic location: 8q12.2.
Variant type: single nucleotide variant.
Coding change: c.3106C>T on transcript NM_017780.4 (MANE Select); coding-DNA position 3106, C replaced by T.
Protein change: p.Arg1036Ter; replaces arginine 1036 with a stop codon.
Molecular consequence: nonsense. On other transcripts: intron variant (1).
Genome position (GRCh38, 1-based): chr8:60,822,651, C>T. VCF-style: chr8-60822651-C-T. GRCh37 (hg19) VCF-style: chr8-61735210-C-T.
Other names: c.1717-39578C>T (NM_001316690.1); c.3106C>T (LRG_176t1); short protein forms R1036*.
Identifiers: ClinVar variation 488373 (VCV000488373.8), dbSNP rs1554597716, ClinGen allele CA371309988.